The following is an entry in ClinVar:

NM_001267550.2(TTN):c.39468C>T (p.Pro13156=)

Gene: TTN (titin; minus strand). Cytogenetic location: 2q31.2.
Variant type: single nucleotide variant.
Coding change: c.39468C>T on transcript NM_001267550.2 (MANE Select); coding-DNA position 39468, C replaced by T.
Protein change: p.Pro13156=; no amino-acid change (proline 13156 retained).
Molecular consequence: synonymous variant. On other transcripts: intron variant (3).
Genome position (GRCh38, 1-based): chr2:178,651,532, G>A on the plus strand (C>T on the coding strand, the complement: TTN is on the minus strand). VCF-style: chr2-178651532-G-A. GRCh37 (hg19) VCF-style: chr2-179516259-G-A.
Other names: c.34947C>T, p.Pro11649= (NM_001256850.1); c.32166C>T, p.Pro10722= (NM_133378.4); c.13283-9215C>T (NM_003319.4); c.13859-9215C>T (NM_133437.4); c.13658-9215C>T (NM_133432.3).
Identifiers: ClinVar variation 997892 (VCV000997892.11), dbSNP rs1367382367, ClinGen allele CA430106573.

ClinVar aggregate classification (germline): Likely benign. Review status: criteria provided, multiple submitters, no conflicts (2 of 4 stars). 3 submissions from 3 submitters: Likely benign (2). 1 of the submissions does not count toward it. Last evaluated 2025-12-01.

Conditions:
TTN-related disorder. Also called: TTN-related disorders; TTN-related condition; TTN-related disease.
Dilated cardiomyopathy 1G (CMD1G). Identifiers: Orphanet 154, MedGen C1858763, MONDO:0011400, OMIM 604145.
Autosomal recessive limb-girdle muscular dystrophy type 2J (LGMDR10). Also called: MUSCULAR DYSTROPHY, LIMB-GIRDLE, AUTOSOMAL RECESSIVE 10; Limb-girdle muscular dystrophy, type 2J. Identifiers: Orphanet 140922, MedGen C1837342, MONDO:0012127, OMIM 608807.

Allele frequency attached by ClinVar (database versions not stated): gnomAD 0.00001; gnomAD exomes 0.00001; TOPMed 0.00002.
gnomAD v4.1: 10 of 1,612,396 alleles (0.00062%); highest among the groups gnomAD compares: South Asian, 0.0055%; no homozygotes.

Submissions (3):

Labcorp Genetics (formerly Invitae), Labcorp
Classification: Likely benign for Dilated cardiomyopathy 1G; Autosomal recessive limb-girdle muscular dystrophy type 2J. Last evaluated: 2025-12-01. Review status: criteria provided, single submitter. Criteria: Invitae Variant Classification Sherloc (09022015). Collection method: clinical testing. Allele origin: germline.

Women's Health and Genetics/Laboratory Corporation of America, LabCorp
Classification: Likely benign. Last evaluated: 2021-02-01. Review status: criteria provided, single submitter. Criteria: LabCorp Variant Classification Summary - May 2015. Collection method: clinical testing. Allele origin: germline.

PreventionGenetics, part of Exact Sciences
Classification: Likely benign for TTN-related condition. Last evaluated: 2019-06-24. Review status: no assertion criteria provided. Collection method: clinical testing. Allele origin: germline. Not counted in ClinVar's aggregate classification.
Comment: This variant is classified as likely benign based on ACMG/AMP sequence variant interpretation guidelines (Richards et al. 2015 PMID: 25741868, with internal and published modifications).